The following is an entry in ClinVar:

NM_001807.6(CEL):c.2106_2171del (p.Thr704_Val725del)

Gene: CEL (carboxyl ester lipase; plus strand). Cytogenetic location: 9q34.13.
Variant type: Deletion.
Coding change: c.2106_2171del on transcript NM_001807.6 (MANE Select); coding-DNA positions 2106 to 2171, 66 bases deleted.
Protein change: p.Thr704_Val725del.
Molecular consequence: inframe deletion.
Genome position (GRCh38, 1-based): chr9:133,071,608-133,071,673, 66 bases deleted. GRCh37 (hg19): chr9:135,946,995-135,947,060.
Identifiers: ClinVar variation 2659683 (VCV002659683.24), dbSNP rs1564214173, ClinGen allele CA5303594.

ClinVar aggregate classification (germline): Benign (1 of 4 stars; one submission).

Submission:

CeGaT Center for Human Genetics Tuebingen
Classification: Benign. Last evaluated: 2023-08-01. Review status: criteria provided, single submitter. Criteria: CeGaT Center For Human Genetics Tuebingen Variant Classification Criteria Version 2. Collection method: clinical testing. Allele origin: germline. Affected: yes. Observed: 2 variant alleles.
Comment: CEL: BS1, BS2